The following is an entry in ClinVar:

NM_001370259.2(MEN1):c.1390delinsCCT (p.Ala464fs)

Gene: MEN1 (menin 1; minus strand). Cytogenetic location: 11q13.1.
Variant type: Indel.
Coding change: c.1390delinsCCT on transcript NM_001370259.2 (MANE Select); coding-DNA position 1390, G replaced by CCT.
Protein change: p.Ala464fs; shifts the reading frame from alanine 464.
Molecular consequence: frameshift variant.
Genome position (GRCh38, 1-based): chr11:64,804,777, C replaced by AGG on the plus strand (G replaced by CCT on the coding strand, the reverse complement: MEN1 is on the minus strand). VCF-style: chr11-64804777-C-AGG. GRCh37 (hg19) VCF-style: chr11-64572249-C-AGG.
Other names: c.1390delGinsCCT (NM_130799.2); c.1405delinsCCT, p.Ala469fs (NM_000244.4, NM_130800.3, NM_130801.3 and 3 more transcripts); c.1516delinsCCT, p.Ala506fs (NM_001370251.2); c.1390delinsCCT, p.Ala464fs (NM_001370260.2, NM_001370261.2, NM_130799.3); c.1285delinsCCT, p.Ala429fs (NM_001370262.2, NM_001370263.2); short protein forms A506fs, A469fs, A429fs, A464fs.
Identifiers: ClinVar variation 428040 (VCV000428040.6), dbSNP rs1114167500, ClinGen allele CA645369557.

ClinVar aggregate classification (germline): Pathogenic (1 of 4 stars; one submission).

Conditions:
Hereditary cancer-predisposing syndrome. Also called: Hereditary Cancer Syndrome; Neoplastic Syndromes, Hereditary; Hereditary neoplastic syndrome; Tumor predisposition. Identifiers: Orphanet 140162, MedGen C0027672, MeSH D009386, MONDO:0015356.

Submission:

Ambry Genetics
Classification: Pathogenic for Hereditary cancer-predisposing syndrome. Last evaluated: 2024-01-19. Review status: criteria provided, single submitter. Criteria: Ambry Variant Classification Scheme 2023. Collection method: clinical testing. Allele origin: germline.
Comment: The c.1390delGinsCCT pathogenic mutation, located in coding exon 9 of the MEN1 gene, results from the deletion of one nucleotide and insertion of 3 nucleotides causing a translational frameshift with a predicted alternate stop codon (p.A464Pfs*96). This alteration occurs at the 3' terminus of theMEN1 gene, is not expected to trigger nonsense-mediated mRNA decay, and only impacts the last 147 amino acids of the protein. However, premature stop codons are typically deleterious in nature, the impacted region is critical for protein function, and a significant portion of the protein is affected (Ambry internal data). This variant has been observed in at least one individual with a personal and/or family history that is consistent with multiple endocrine neoplasia type 1 (MEN1) (Ambry internal data). This variant is considered to be rare based on population cohorts in the Genome Aggregation Database (gnomAD). Based on the supporting evidence, this alteration is interpreted as a disease-causing mutation.